The following is an entry in ClinVar:

NM_004946.3(DOCK2):c.3293T>C (p.Ile1098Thr)

Gene: DOCK2 (dedicator of cytokinesis 2; plus strand). Cytogenetic location: 5q35.1.
Variant type: single nucleotide variant.
Coding change: c.3293T>C on transcript NM_004946.3 (MANE Select); coding-DNA position 3293, T replaced by C.
Protein change: p.Ile1098Thr; replaces isoleucine 1098 with threonine.
Molecular consequence: missense variant. On other transcripts: non-coding transcript variant (1).
Genome position (GRCh38, 1-based): chr5:170,019,020, T>C. VCF-style: chr5-170019020-T-C. GRCh37 (hg19) VCF-style: chr5-169446024-T-C.
Other names: short protein forms I1098T.
Identifiers: ClinVar variation 957250 (VCV000957250.9), dbSNP rs1366577766, ClinGen allele CA362105147.
Genomic context (GRCh38, chr5:170,019,020, plus strand): 5'-GTCAGAACAAAATCTGCTTCATCCCAGGCATGGTAGGACCTATATTAGAGATGACACTTA[T>C]CCCTGAGGCTGAGCTCCGGAAAGCCACCATACCAATCTTCTTCGACATGATGCTGTGTGA-3'
Protein context (NP_004937.1, residues 1088-1108): MVGPILEMTL[Ile1098Thr]PEAELRKATI

ClinVar aggregate classification (germline): Uncertain significance (1 of 4 stars; one submission).

Conditions:
DOCK2 deficiency. Also called: Immunodeficiency 40. Identifiers: Orphanet 447737, MedGen C4225328, MONDO:0014637, OMIM 616433.

Allele frequency attached by ClinVar (database versions not stated): gnomAD 0.00001; TOPMed 0.00002.
gnomAD v4.1: 2 of 1,614,036 alleles (0.00012%); highest among the groups gnomAD compares: Admixed American, 0.0033%; no homozygotes.

Submission:

Labcorp Genetics (formerly Invitae), Labcorp
Classification: Uncertain significance for DOCK2 deficiency. Last evaluated: 2020-02-14. Review status: criteria provided, single submitter. Criteria: Invitae Variant Classification Sherloc (09022015). Collection method: clinical testing. Allele origin: germline.
Comment: This sequence change replaces isoleucine with threonine at codon 1098 of the DOCK2 protein (p.Ile1098Thr). The isoleucine residue is moderately conserved and there is a moderate physicochemical difference between isoleucine and threonine. This variant is not present in population databases (ExAC no frequency). This variant has not been reported in the literature in individuals with DOCK2-related conditions. Algorithms developed to predict the effect of missense changes on protein structure and function (SIFT, PolyPhen-2, Align-GVGD) all suggest that this variant is likely to be tolerated, but these predictions have not been confirmed by published functional studies and their clinical significance is uncertain. In summary, the available evidence is currently insufficient to determine the role of this variant in disease. Therefore, it has been classified as a Variant of Uncertain Significance.